The following is an entry in ClinVar:

NM_015426.5(POC1A):c.967T>G (p.Ser323Ala)

Gene: POC1A (POC1 centriolar protein A; minus strand). Cytogenetic location: 3p21.2.
Variant type: single nucleotide variant.
Coding change: c.967T>G on transcript NM_015426.5 (MANE Select); coding-DNA position 967, T replaced by G.
Protein change: p.Ser323Ala; replaces serine 323 with alanine.
Molecular consequence: missense variant.
Genome position (GRCh38, 1-based): chr3:52,122,393, A>C on the plus strand (T>G on the coding strand, the complement: POC1A is on the minus strand). VCF-style: chr3-52122393-A-C. GRCh37 (hg19) VCF-style: chr3-52156409-A-C.
Other names: c.967T>G, p.Ser323Ala (NM_001161580.2); c.853T>G, p.Ser285Ala (NM_001161581.2); short protein forms S285A, S323A.
Identifiers: ClinVar variation 1714857 (VCV001714857.5), dbSNP rs2470841441, ClinGen allele CA353055480.

ClinVar aggregate classification (germline): Uncertain significance (1 of 4 stars; one submission).

Submission:

Labcorp Genetics (formerly Invitae), Labcorp
Classification: Uncertain significance. Last evaluated: 2022-08-02. Review status: criteria provided, single submitter. Criteria: Invitae Variant Classification Sherloc (09022015). Collection method: clinical testing. Allele origin: germline.
Comment: In summary, the available evidence is currently insufficient to determine the role of this variant in disease. Therefore, it has been classified as a Variant of Uncertain Significance. Algorithms developed to predict the effect of missense changes on protein structure and function are either unavailable or do not agree on the potential impact of this missense change (SIFT: "Not Available"; PolyPhen-2: "Benign"; Align-GVGD: "Not Available"). This variant has not been reported in the literature in individuals affected with POC1A-related conditions. This variant is not present in population databases (gnomAD no frequency). This sequence change replaces serine, which is neutral and polar, with alanine, which is neutral and non-polar, at codon 323 of the POC1A protein (p.Ser323Ala).